The following is an entry in ClinVar:

ClinVar aggregate classification (germline): Uncertain significance. Review status: criteria provided, multiple submitters, no conflicts (2 of 4 stars). 2 submissions from 2 submitters: Uncertain significance (2). Last evaluated 2024-07-09.

Conditions:
Inborn genetic diseases. Identifiers: MedGen C0950123, MeSH D030342.

gnomAD v4.1: 3 of 1,613,652 alleles (0.00019%); highest among the groups gnomAD compares: African/African-American, 0.0013%; no homozygotes.

Submissions (2):

Ambry Genetics
Classification: Uncertain significance for Inborn genetic diseases. Last evaluated: 2024-07-09. Review status: criteria provided, single submitter. Criteria: Ambry Variant Classification Scheme 2023. Collection method: clinical testing. Allele origin: germline.

Labcorp Genetics (formerly Invitae), Labcorp
Classification: Uncertain significance. Last evaluated: 2021-08-15. Review status: criteria provided, single submitter. Criteria: Invitae Variant Classification Sherloc (09022015). Collection method: clinical testing. Allele origin: germline.
Comment: This sequence change replaces proline with histidine at codon 1958 of the FLNB protein (p.Pro1958His). The proline residue is highly conserved and there is a moderate physicochemical difference between proline and histidine. In summary, the available evidence is currently insufficient to determine the role of this variant in disease. Therefore, it has been classified as a Variant of Uncertain Significance. Advanced modeling of protein sequence and biophysical properties (such as structural, functional, and spatial information, amino acid conservation, physicochemical variation, residue mobility, and thermodynamic stability) performed at Invitae indicates that this missense variant is not expected to disrupt FLNB protein function. This variant has not been reported in the literature in individuals affected with FLNB-related conditions. This variant is not present in population databases (ExAC no frequency).

NM_001457.4(FLNB):c.5873C>A (p.Pro1958His)

Gene: FLNB (filamin B; plus strand). Cytogenetic location: 3p14.3.
Variant type: single nucleotide variant.
Coding change: c.5873C>A on transcript NM_001457.4 (MANE Select); coding-DNA position 5873, C replaced by A.
Protein change: p.Pro1958His; replaces proline 1958 with histidine.
Molecular consequence: missense variant.
Genome position (GRCh38, 1-based): chr3:58,148,350, C>A. VCF-style: chr3-58148350-C-A. GRCh37 (hg19) VCF-style: chr3-58134077-C-A.
Other names: c.5873C>A (NM_001457.3); c.5966C>A, p.Pro1989His (NM_001164317.2); c.5840C>A, p.Pro1947His (NM_001164318.2); c.5801C>A, p.Pro1934His (NM_001164319.2); short protein forms P1934H, P1947H, P1958H, P1989H.
Identifiers: ClinVar variation 1446451 (VCV001446451.7), dbSNP rs778916792, ClinGen allele CA353355919.
Genomic context (GRCh38, chr3:58,148,350, plus strand): 5'-TGACGGCCAGCATTAAGGCCCCATCTGGCCGAGACGAGCCCTGTCTCCTGAAGAGGCTGC[C>A]CAACAACCACATTGGTGAGCTAGGCTACCCTTCCTGGCTGGAGCCAGGACATCTTGGGTG-3'
Protein context (NP_001448.2, residues 1948-1968): RDEPCLLKRL[Pro1958His]NNHIGISFIP